The following is an entry in ClinVar:

NM_000535.7(PMS2):c.2398C>T (p.Pro800Ser)

Gene: PMS2 (PMS1 homolog 2, mismatch repair system component; minus strand). Cytogenetic location: 7p22.1.
Variant type: single nucleotide variant.
Coding change: c.2398C>T on transcript NM_000535.7 (MANE Select); coding-DNA position 2398, C replaced by T.
Protein change: p.Pro800Ser; replaces proline 800 with serine.
Molecular consequence: missense variant. On other transcripts: non-coding transcript variant (1).
Genome position (GRCh38, 1-based): chr7:5,977,635, G>A on the plus strand (C>T on the coding strand, the complement: PMS2 is on the minus strand). VCF-style: chr7-5977635-G-A. GRCh37 (hg19) VCF-style: chr7-6017266-G-A.
Other names: c.1993C>T, p.Pro665Ser (NM_001018040.1, NM_001322003.2, NM_001322004.2 and 12 more transcripts); c.2242C>T, p.Pro748Ser (NM_001322006.2); c.2080C>T, p.Pro694Ser (NM_001322007.2, NM_001322008.2, NM_001406883.1); c.2026C>T, p.Pro676Ser (NM_001322009.2, NM_001406887.1, NM_001406888.1); c.1837C>T, p.Pro613Ser (NM_001322010.2, NM_001406906.1, NM_001406907.1); c.1465C>T, p.Pro489Ser (NM_001322011.2, NM_001322012.2); c.1825C>T, p.Pro609Ser (NM_001322013.2, NM_001406908.1, NM_001406909.1); c.2431C>T, p.Pro811Ser (NM_001322014.2); and 20 more; short protein forms P561S, P697S, P752S, P800S, P862S, P399S, P613S, P678S.
Identifiers: ClinVar variation 1790649 (VCV001790649.4), dbSNP rs1489085045, ClinGen allele CA366735692.

ClinVar aggregate classification (germline): Uncertain significance. Review status: criteria provided, multiple submitters, no conflicts (2 of 4 stars). 2 submissions from 2 submitters: Uncertain significance (2). Last evaluated 2024-02-17.

Conditions:
Hereditary nonpolyposis colorectal neoplasms. Identifiers: MedGen C0009405, MeSH D003123.
Hereditary cancer-predisposing syndrome. Also called: Hereditary Cancer Syndrome; Hereditary neoplastic syndrome; Tumor predisposition; Neoplastic Syndromes, Hereditary. Identifiers: Orphanet 140162, MedGen C0027672, MeSH D009386, MONDO:0015356.

Submissions (2):

Labcorp Genetics (formerly Invitae), Labcorp
Classification: Uncertain significance for Hereditary nonpolyposis colorectal neoplasms. Last evaluated: 2024-02-17. Review status: criteria provided, single submitter. Criteria: Invitae Variant Classification Sherloc (09022015). Collection method: clinical testing. Allele origin: germline.
Comment: This sequence change replaces proline, which is neutral and non-polar, with serine, which is neutral and polar, at codon 800 of the PMS2 protein (p.Pro800Ser). The frequency data for this variant in the population databases (gnomAD) is considered unreliable due to the presence of homologous sequence, such as pseudogenes or paralogs, in the genome. This variant has not been reported in the literature in individuals affected with PMS2-related conditions. ClinVar contains an entry for this variant (Variation ID: 1790649). Advanced modeling of protein sequence and biophysical properties (such as structural, functional, and spatial information, amino acid conservation, physicochemical variation, residue mobility, and thermodynamic stability) performed at Invitae indicates that this missense variant is expected to disrupt PMS2 protein function with a positive predictive value of 80%. In summary, the available evidence is currently insufficient to determine the role of this variant in disease. Therefore, it has been classified as a Variant of Uncertain Significance.

Ambry Genetics
Classification: Uncertain significance for Hereditary cancer-predisposing syndrome. Last evaluated: 2020-04-10. Review status: criteria provided, single submitter. Criteria: Ambry Variant Classification Scheme 2023. Collection method: clinical testing. Allele origin: germline.